The following is an entry in ClinVar:

NM_020435.4(GJC2):c.506C>T (p.Ala169Val)

Gene: GJC2 (gap junction protein gamma 2; plus strand). Cytogenetic location: 1q42.13.
Variant type: single nucleotide variant.
Coding change: c.506C>T on transcript NM_020435.4 (MANE Select); coding-DNA position 506, C replaced by T.
Protein change: p.Ala169Val; replaces alanine 169 with valine.
Molecular consequence: missense variant.
Genome position (GRCh38, 1-based): chr1:228,158,264, C>T. VCF-style: chr1-228158264-C-T. GRCh37 (hg19) VCF-style: chr1-228345965-C-T.
Other names: short protein forms A169V.
Identifiers: ClinVar variation 2122094 (VCV002122094.4), dbSNP rs2124966415, ClinGen allele CA345098241.

ClinVar aggregate classification (germline): Uncertain significance (1 of 4 stars; one submission).

Conditions:
Spastic paraplegia. Identifiers: MedGen C0037772, HP:0001258.

Allele frequency attached by ClinVar (database versions not stated): gnomAD exomes below 0.00001; 1000 Genomes Project 30x 0.00016.

Submission:

Labcorp Genetics (formerly Invitae), Labcorp
Classification: Uncertain significance for Spastic paraplegia. Last evaluated: 2022-03-06. Review status: criteria provided, single submitter. Criteria: Invitae Variant Classification Sherloc (09022015). Collection method: clinical testing. Allele origin: germline.
Comment: This sequence change replaces alanine, which is neutral and non-polar, with valine, which is neutral and non-polar, at codon 169 of the GJC2 protein (p.Ala169Val). This variant is not present in population databases (gnomAD no frequency). This variant has not been reported in the literature in individuals affected with GJC2-related conditions. Algorithms developed to predict the effect of missense changes on protein structure and function output the following: SIFT: "Tolerated"; PolyPhen-2: "Benign"; Align-GVGD: "Class C0". The valine amino acid residue is found in multiple mammalian species, which suggests that this missense change does not adversely affect protein function. In summary, the available evidence is currently insufficient to determine the role of this variant in disease. Therefore, it has been classified as a Variant of Uncertain Significance.